The following is an entry in ClinVar:

NM_000064.4(C3):c.4760C>T (p.Pro1587Leu)

Gene: C3 (complement C3; minus strand). Cytogenetic location: 19p13.3.
Variant type: single nucleotide variant.
Coding change: c.4760C>T on transcript NM_000064.4 (MANE Select); coding-DNA position 4760, C replaced by T.
Protein change: p.Pro1587Leu; replaces proline 1587 with leucine.
Molecular consequence: missense variant.
Genome position (GRCh38, 1-based): chr19:6,678,242, G>A on the plus strand (C>T on the coding strand, the complement: C3 is on the minus strand). VCF-style: chr19-6678242-G-A. GRCh37 (hg19) VCF-style: chr19-6678253-G-A.
Other names: short protein forms P1587L.
Identifiers: ClinVar variation 3643112 (VCV003643112.2).

ClinVar aggregate classification (germline): Uncertain significance (1 of 4 stars; one submission).

Submission:

Labcorp Genetics (formerly Invitae), Labcorp
Classification: Uncertain significance. Last evaluated: 2024-08-11. Review status: criteria provided, single submitter. Criteria: Invitae Variant Classification Sherloc (09022015). Collection method: clinical testing. Allele origin: germline.
Comment: This sequence change replaces proline, which is neutral and non-polar, with leucine, which is neutral and non-polar, at codon 1587 of the C3 protein (p.Pro1587Leu). This variant is not present in population databases (gnomAD no frequency). This variant has not been reported in the literature in individuals affected with C3-related conditions. Advanced modeling of protein sequence and biophysical properties (such as structural, functional, and spatial information, amino acid conservation, physicochemical variation, residue mobility, and thermodynamic stability) performed at Invitae indicates that this missense variant is not expected to disrupt C3 protein function with a negative predictive value of 80%. In summary, the available evidence is currently insufficient to determine the role of this variant in disease. Therefore, it has been classified as a Variant of Uncertain Significance.